The following is an entry in ClinVar:

ClinVar aggregate classification (germline): Uncertain significance (1 of 4 stars; one submission).

Conditions:
Dilated cardiomyopathy 1G (CMD1G). Identifiers: Orphanet 154, MedGen C1858763, MONDO:0011400, OMIM 604145.
Autosomal recessive limb-girdle muscular dystrophy type 2J (LGMDR10). Also called: Limb-girdle muscular dystrophy, type 2J; MUSCULAR DYSTROPHY, LIMB-GIRDLE, AUTOSOMAL RECESSIVE 10. Identifiers: Orphanet 140922, MedGen C1837342, MONDO:0012127, OMIM 608807.

Allele frequency attached by ClinVar (database versions not stated): gnomAD exomes below 0.00001.

Submission:

Labcorp Genetics (formerly Invitae), Labcorp
Classification: Uncertain significance for Dilated cardiomyopathy 1G; Autosomal recessive limb-girdle muscular dystrophy type 2J. Last evaluated: 2025-12-14. Review status: criteria provided, single submitter. Criteria: Invitae Variant Classification Sherloc (09022015). Collection method: clinical testing. Allele origin: germline.
Comment: This sequence change replaces serine, which is neutral and polar, with arginine, which is basic and polar, at codon 35855 of the TTN protein (p.Ser35855Arg). This variant is present in population databases (no rsID available, gnomAD 0.0009%). This variant has not been reported in the literature in individuals affected with TTN-related conditions. ClinVar contains an entry for this variant (Variation ID: 1372155). Experimental studies and prediction algorithms are not available or were not evaluated, and the functional significance of this variant is currently unknown. This variant is located in the M band of TTN (PMID: 25589632). Non-truncating variants in this region may be relevant for neuromuscular disorders, but have not been definitively shown to cause cardiomyopathy (PMID: 23975875). In summary, the available evidence is currently insufficient to determine the role of this variant in disease. Therefore, it has been classified as a Variant of Uncertain Significance.

Literature cited by the submitters: PubMed 25589632; PubMed 23975875.

NM_001267550.2(TTN):c.107565C>G (p.Ser35855Arg)

Genes: TTN-AS1 (TTN antisense RNA 1; plus strand), TTN (titin; minus strand). Cytogenetic location: 2q31.2.
Variant type: single nucleotide variant.
Coding change: c.107565C>G on transcript NM_001267550.2 (MANE Select); coding-DNA position 107565, C replaced by G.
Protein change: p.Ser35855Arg; replaces serine 35855 with arginine.
Molecular consequence: missense variant.
Genome position (GRCh38, 1-based): chr2:178,527,561, G>C on the plus strand (C>G on the coding strand, the complement: TTN is on the minus strand). VCF-style: chr2-178527561-G-C. GRCh37 (hg19) VCF-style: chr2-179392288-G-C.
Other names: c.102642C>G, p.Ser34214Arg (NM_001256850.1); c.80370C>G, p.Ser26790Arg (NM_003319.4); c.99861C>G, p.Ser33287Arg (NM_133378.4); c.80745C>G, p.Ser26915Arg (NM_133432.3); c.80946C>G, p.Ser26982Arg (NM_133437.4); short protein forms S33287R, S26790R, S26915R, S26982R, S35855R, S34214R.
Identifiers: ClinVar variation 1372155 (VCV001372155.8), dbSNP rs1469711405, ClinGen allele CA349400086.